The following is an entry in ClinVar:

ClinVar aggregate classification (germline): Uncertain significance. Review status: criteria provided, multiple submitters, no conflicts (2 of 4 stars). 3 submissions from 3 submitters: Uncertain significance (3). Last evaluated 2025-11-10.

Conditions:
Hereditary cancer-predisposing syndrome. Also called: Neoplastic Syndromes, Hereditary; Hereditary neoplastic syndrome; Tumor predisposition; Hereditary Cancer Syndrome. Identifiers: Orphanet 140162, MedGen C0027672, MeSH D009386, MONDO:0015356.
Hereditary pheochromocytoma and paraganglioma. Also called: Hereditary Paraganglioma-Pheochromocytoma Syndromes; Hereditary paragangliomas and pheochromocytomas; Hereditary pheochromocytoma-paraganglioma. Identifiers: Orphanet 29072, MedGen C4274332, MONDO:0017366.
Pheochromocytoma. Also called: MAX-Related Hereditary Paraganglioma-Pheochromocytoma Syndrome. Identifiers: Orphanet 29072, MedGen C0031511, MONDO:0008233, OMIM 171300, HP:0002666.

gnomAD v4.1: 3 of 1,614,162 alleles (0.00019%); highest among the groups gnomAD compares: South Asian, 0.0033%; no homozygotes.

Submissions (3):

Labcorp Genetics (formerly Invitae), Labcorp
Classification: Uncertain significance for Hereditary pheochromocytoma and paraganglioma. Last evaluated: 2025-11-10. Review status: criteria provided, single submitter. Criteria: Invitae Variant Classification Sherloc (09022015). Collection method: clinical testing. Allele origin: germline.
Comment: This sequence change replaces phenylalanine, which is neutral and non-polar, with leucine, which is neutral and non-polar, at codon 173 of the TMEM127 protein (p.Phe173Leu). This variant is not present in population databases (gnomAD no frequency). This variant has not been reported in the literature in individuals affected with TMEM127-related conditions. ClinVar contains an entry for this variant (Variation ID: 463851). An algorithm developed to predict the effect of missense changes on protein structure and function (PolyPhen-2) suggests that this variant is likely to be disruptive. In summary, the available evidence is currently insufficient to determine the role of this variant in disease. Therefore, it has been classified as a Variant of Uncertain Significance.

Ambry Genetics
Classification: Uncertain significance for Hereditary cancer-predisposing syndrome. Last evaluated: 2025-03-29. Review status: criteria provided, single submitter. Criteria: Ambry Variant Classification Scheme 2023. Collection method: clinical testing. Allele origin: germline.
Comment: The p.F173L variant (also known as c.519C>A), located in coding exon 3 of the TMEM127 gene, results from a C to A substitution at nucleotide position 519. The phenylalanine at codon 173 is replaced by leucine, an amino acid with highly similar properties. This amino acid position is highly conserved in available vertebrate species. In addition, this alteration is predicted to be deleterious by in silico analysis. Since supporting evidence is limited at this time, the clinical significance of this alteration remains unclear.

Baylor Genetics
Classification: Uncertain significance for Pheochromocytoma. Last evaluated: 2024-03-06. Review status: criteria provided, single submitter. Criteria: ACMG Guidelines, 2015. Collection method: clinical testing. Allele origin: unknown.

NM_017849.4(TMEM127):c.519C>A (p.Phe173Leu)

Gene: TMEM127 (transmembrane protein 127; minus strand). Cytogenetic location: 2q11.2.
Variant type: single nucleotide variant.
Coding change: c.519C>A on transcript NM_017849.4 (MANE Select); coding-DNA position 519, C replaced by A.
Protein change: p.Phe173Leu; replaces phenylalanine 173 with leucine.
Molecular consequence: missense variant.
Genome position (GRCh38, 1-based): chr2:96,254,006, G>T on the plus strand (C>A on the coding strand, the complement: TMEM127 is on the minus strand). VCF-style: chr2-96254006-G-T. GRCh37 (hg19) VCF-style: chr2-96919744-G-T.
Other names: c.519C>A, p.Phe173Leu (NM_001193304.3); short protein forms F173L.
Identifiers: ClinVar variation 463851 (VCV000463851.15), dbSNP rs758676810, ClinGen allele CA347652573.